The following is an entry in ClinVar:

ClinVar aggregate classification (germline): Uncertain significance (1 of 4 stars; one submission).

Submission:

Ambry Genetics
Classification: Uncertain significance. Last evaluated: 2022-10-19. Review status: criteria provided, single submitter. Criteria: Ambry Variant Classification Scheme 2023. Collection method: clinical testing. Allele origin: germline.
Comment: The p.K3877T variant (also known as c.11630A>C), located in coding exon 82 of the PRKDC gene, results from an A to C substitution at nucleotide position 11630. The lysine at codon 3877 is replaced by threonine, an amino acid with similar properties. This amino acid position is conserved. In addition, this alteration is predicted to be tolerated by in silico analysis. Since supporting evidence is limited at this time, the clinical significance of this alteration remains unclear.

NM_006904.7(PRKDC):c.11630A>C (p.Lys3877Thr)

Gene: PRKDC (protein kinase, DNA-activated, catalytic subunit; minus strand). Cytogenetic location: 8q11.21.
Variant type: single nucleotide variant.
Coding change: c.11630A>C on transcript NM_006904.7 (MANE Select); coding-DNA position 11630, A replaced by C.
Protein change: p.Lys3877Thr; replaces lysine 3877 with threonine.
Molecular consequence: missense variant.
Genome position (GRCh38, 1-based): chr8:47,778,749, T>G on the plus strand (A>C on the coding strand, the complement: PRKDC is on the minus strand). VCF-style: chr8-47778749-T-G. GRCh37 (hg19) VCF-style: chr8-48691310-T-G.
Other names: c.11537A>C, p.Lys3846Thr (NM_001081640.2); short protein forms K3877T, K3846T.
Identifiers: ClinVar variation 1737358 (VCV001737358.2), dbSNP rs2551859949, ClinGen allele CA371128916.